The following is an entry in ClinVar:

ClinVar aggregate classification (germline): Conflicting classifications of pathogenicity. Review status: criteria provided, conflicting classifications (1 of 4 stars). 9 submissions from 9 submitters: Uncertain significance (5); Benign (1); Likely benign (2). 1 of the submissions does not count toward it. Last evaluated 2026-01-27.

Conditions:
TSC1-related disorder. Also called: TSC1-related condition.
Hereditary cancer-predisposing syndrome. Also called: Hereditary Cancer Syndrome; Neoplastic Syndromes, Hereditary; Hereditary neoplastic syndrome; Tumor predisposition. Identifiers: Orphanet 140162, MedGen C0027672, MeSH D009386, MONDO:0015356.
Tuberous sclerosis syndrome (TSC). Also called: Tuberous Sclerosis Complex; Tuberous sclerosis. Identifiers: Orphanet 805, MedGen C0041341, MONDO:0001734.
Tuberous sclerosis 1 (TSC1). Identifiers: Orphanet 805, MedGen C1854465, MONDO:0008612, OMIM 191100.

Allele frequency attached by ClinVar (database versions not stated): gnomAD exomes 0.00001; TOPMed 0.00002; gnomAD 0.00003.
gnomAD v4.1: 8 of 1,614,058 alleles (0.0005%); highest among the groups gnomAD compares: Admixed American, 0.0067%; no homozygotes.

Submissions (9):

Labcorp Genetics (formerly Invitae), Labcorp
Classification: Benign for Tuberous sclerosis 1. Last evaluated: 2026-01-27. Review status: criteria provided, single submitter. Criteria: Invitae Variant Classification Sherloc (09022015). Collection method: clinical testing. Allele origin: germline.

PreventionGenetics, part of Exact Sciences
Classification: Uncertain significance for TSC1-related condition. Last evaluated: 2025-10-07. Review status: criteria provided, single submitter. Criteria: ACMG Guidelines, 2015. Collection method: clinical testing. Allele origin: germline.
Comment: The TSC1 c.1922C>A variant is predicted to result in the amino acid substitution p.Pro641His. To our knowledge, this variant has not been reported in the literature. This variant is reported in 0.00088% of alleles in individuals of European (Non-Finnish) descent in gnomAD. At this time, the clinical significance of this variant is uncertain due to the absence of conclusive functional and genetic evidence.

Color Diagnostics, LLC DBA Color Health
Classification: Uncertain significance for Tuberous sclerosis syndrome. Last evaluated: 2025-06-10. Review status: criteria provided, single submitter. Criteria: ACMG Guidelines, 2015. Collection method: clinical testing. Allele origin: germline.
Comment: This missense variant replaces proline with histidine at codon 641 of the TSC1 protein. Computational prediction is inconclusive regarding the impact of this variant on protein structure and function. To our knowledge, functional studies have not been reported for this variant. This variant has not been reported in individuals affected with TSC1-related disorders in the literature. This variant has been identified in 2/251434 chromosomes in the general population by the Genome Aggregation Database (gnomAD). The available evidence is insufficient to determine the role of this variant in disease conclusively. Therefore, this variant is classified as a Variant of Uncertain Significance.

Quest Diagnostics Nichols Institute San Juan Capistrano
Classification: Uncertain significance. Last evaluated: 2025-06-10. Review status: criteria provided, single submitter. Criteria: Quest Diagnostics criteria. Collection method: clinical testing. Allele origin: unknown.

Clinical Genomics Laboratory, Washington University in St. Louis
Classification: Uncertain significance for Tuberous sclerosis 1. Last evaluated: 2025-03-10. Review status: criteria provided, single submitter. Criteria: ACMG Guidelines, 2015. Collection method: clinical testing. Allele origin: germline.
Comment: A TSC1 c.1922C>A (p.Pro641His) variant was identified at a near heterozygous allelic fraction of 49.4%, a frequency which may be consistent with it being of germline origin and, to our knowledge, has not been reported in the medical literature. This variant has been reported in the ClinVar database as a variant of uncertain significance by one submitter and a likely benign/benign variant by three submitters (ClinVar variation ID: 64815). This variant is only observed on 8/1,614,058 alleles in the general population (gnomAD v.4.1.0), indicating it is not a common variant. Computational predictors are uncertain as to the impact of this variant on TSC1 function. Due to limited information, and based on ACMG/AMP guidelines for variant interpretation (Richards S et al., PMID: 25741868), the clinical significance of this variant is uncertain at this time.

Ambry Genetics
Classification: Likely benign for Hereditary cancer-predisposing syndrome. Last evaluated: 2022-10-17. Review status: criteria provided, single submitter. Criteria: Ambry Variant Classification Scheme 2023. Collection method: clinical testing. Allele origin: germline.

Sema4
Classification: Uncertain significance for Hereditary cancer-predisposing syndrome. Last evaluated: 2021-12-09. Review status: criteria provided, single submitter. Criteria: Sema4 Curation Guidelines. Collection method: curation. Allele origin: germline.
Comment: The TSC1 c.1922C>A (p.Pro641His) variant has not been reported in the literature to our knowledge. It was observed in 1/113714 chromosomes of the European (non-Finnish) subpopulation in the large and broad cohorts of the Genome Aggregation Database (PMID: 32461654). This variant has been reported in ClinVar (Variation ID 64815). Functional studies have not been performed, and in silico predictions of the variant's effect on protein function are inconclusive. The evidence is insufficient to meet ACMG/AMP criteria for classifying the variant as benign or pathogenic. Thus, the clinical significance of this variant is currently uncertain.

Genome-Nilou Lab
Classification: Likely benign for Tuberous sclerosis 1. Last evaluated: 2021-11-07. Review status: criteria provided, single submitter. Criteria: ACMG Guidelines, 2015. Collection method: clinical testing. Allele origin: germline. Affected: no.

Tuberous sclerosis database (TSC1)
No classification provided. Condition: TSC. Review status: no classification provided. Criteria: Tuberous Sclerosis Database Assertion Criteria 2015. Collection method: curation. Allele origin: germline. Affected: yes. Not counted in ClinVar's aggregate classification.

NM_000368.5(TSC1):c.1922C>A (p.Pro641His)

Gene: TSC1 (TSC complex subunit 1; minus strand). Cytogenetic location: 9q34.13.
Variant type: single nucleotide variant.
Coding change: c.1922C>A on transcript NM_000368.5 (MANE Select); coding-DNA position 1922, C replaced by A.
Protein change: p.Pro641His; replaces proline 641 with histidine.
Molecular consequence: missense variant.
Genome position (GRCh38, 1-based): chr9:132,905,656, G>T on the plus strand (C>A on the coding strand, the complement: TSC1 is on the minus strand). VCF-style: chr9-132905656-G-T. GRCh37 (hg19) VCF-style: chr9-135781043-G-T.
Other names: c.1919C>A, p.Pro640His (NM_001162426.2); c.1769C>A, p.Pro590His (NM_001162427.2); c.1559C>A, p.Pro520His (NM_001362177.2); short protein forms P641H, P590H, P640H, P520H.
Identifiers: ClinVar variation 64815 (VCV000064815.23), dbSNP rs397514863, ClinGen allele CA005606.